The following is an entry in ClinVar:

NM_001737.5(C9):c.46A>G (p.Ile16Val)

Gene: C9 (complement C9; minus strand). Cytogenetic location: 5p13.1.
Variant type: single nucleotide variant.
Coding change: c.46A>G on transcript NM_001737.5 (MANE Select); coding-DNA position 46, A replaced by G.
Protein change: p.Ile16Val; replaces isoleucine 16 with valine.
Molecular consequence: missense variant.
Genome position (GRCh38, 1-based): chr5:39,364,419, T>C on the plus strand (A>G on the coding strand, the complement: C9 is on the minus strand). VCF-style: chr5-39364419-T-C. GRCh37 (hg19) VCF-style: chr5-39364521-T-C.
Other names: short protein forms I16V.
Identifiers: ClinVar variation 2122553 (VCV002122553.4), dbSNP rs1754579670, ClinGen allele CA359569370.

ClinVar aggregate classification (germline): Uncertain significance (1 of 4 stars; one submission).

Allele frequency attached by ClinVar (database versions not stated): gnomAD exomes below 0.00001; TOPMed below 0.00001.
gnomAD v4.1: 2 of 1,609,698 alleles (0.00012%); highest among the groups gnomAD compares: Non-Finnish European, 0.00017%; no homozygotes.

Submission:

Labcorp Genetics (formerly Invitae), Labcorp
Classification: Uncertain significance. Last evaluated: 2023-07-17. Review status: criteria provided, single submitter. Criteria: Invitae Variant Classification Sherloc (09022015). Collection method: clinical testing. Allele origin: germline.
Comment: Algorithms developed to predict the effect of missense changes on protein structure and function output the following: SIFT: "Not Available"; PolyPhen-2: "Benign"; Align-GVGD: "Not Available". The valine amino acid residue is found in multiple mammalian species, which suggests that this missense change does not adversely affect protein function. In summary, the available evidence is currently insufficient to determine the role of this variant in disease. Therefore, it has been classified as a Variant of Uncertain Significance. ClinVar contains an entry for this variant (Variation ID: 2122553). This variant has not been reported in the literature in individuals affected with C9-related conditions. This variant is not present in population databases (gnomAD no frequency). This sequence change replaces isoleucine, which is neutral and non-polar, with valine, which is neutral and non-polar, at codon 16 of the C9 protein (p.Ile16Val).